The following is an entry in ClinVar:

ClinVar aggregate classification (germline): Likely benign (0 of 4 stars; one submission).

Conditions:
Familial cancer of breast. Also called: BREAST CANCER, FAMILIAL; hereditary breast carcinoma; Hereditary breast cancer. Identifiers: Orphanet 227535, MedGen C0346153, MONDO:0016419, OMIM 114480. Disease mechanism: loss of function.

Allele frequency attached by ClinVar (database versions not stated): gnomAD 0.00009 and 0.00010; TOPMed 0.00009.

Submission:

Leiden Open Variation Database
Classification: Likely benign for Familial cancer of breast. Last evaluated: 2019-05-13. Review status: no assertion criteria provided. Collection method: curation. Allele origin: germline. Affected: yes.
Comment: Curators: Marc Tischkowitz, Arleen D. Auerbach. Submitter to LOVD: Marc Tischkowitz.

Literature cited by the submitters: PubMed 21932393.

NC_000016.10:g.23641351G>C

Gene: PALB2 (partner and localizer of BRCA2; minus strand). Cytogenetic location: 16p12.2.
Variant type: single nucleotide variant.
Genome position: GRCh38 VCF-style: chr16-23641351-G-C. GRCh37 (hg19) VCF-style: chr16-23652672-G-C.
Other names: c.-194C>G (NM_024675.3).
Identifiers: ClinVar variation 126572 (VCV000126572.3), dbSNP rs515726054, ClinGen allele CA269468.